The following is an entry in ClinVar:

NM_003494.4(DYSF):c.1508C>G (p.Ser503Trp)

Gene: DYSF (dysferlin; plus strand). Cytogenetic location: 2p13.2.
Variant type: single nucleotide variant.
Coding change: c.1508C>G on transcript NM_003494.4 (MANE Plus Clinical); coding-DNA position 1508, C replaced by G.
Protein change: p.Ser503Trp; replaces serine 503 with tryptophan.
Molecular consequence: missense variant. On other transcripts: intron variant (8).
Genome position (GRCh38, 1-based): chr2:71,549,377, C>G. VCF-style: chr2-71549377-C-G. GRCh37 (hg19) VCF-style: chr2-71776507-C-G.
Other names: c.1511C>G, p.Ser504Trp (NM_001130455.2, NM_001130983.2); c.1508C>G, p.Ser503Trp (NM_001130978.2); c.1601C>G, p.Ser534Trp (NM_001130979.2); c.1604C>G, p.Ser535Trp (NM_001130982.2); c.1574-1664C>G (NM_001130981.2, NM_001130980.2); c.1481-1664C>G (NM_001130977.2, NM_001130976.2); c.1577-1664C>G (NM_001130987.2, NM_001130985.2); c.1484-1664C>G (NM_001130984.2, NM_001130986.2); short protein forms S503W, S534W, S535W, S504W.
Identifiers: ClinVar variation 1949471 (VCV001949471.5), dbSNP rs144931729, ClinGen allele CA347217246.

ClinVar aggregate classification (germline): Uncertain significance (1 of 4 stars; one submission).

Conditions:
Neuromuscular disease caused by qualitative or quantitative defects of dysferlin. Also called: Dysferlinopathy; Qualitative or quantitative defects of dysferlin. Identifiers: Orphanet 207073, MedGen C2931687, MONDO:0016145.

Submission:

Labcorp Genetics (formerly Invitae), Labcorp
Classification: Uncertain significance for Neuromuscular disease caused by qualitative or quantitative defects of dysferlin. Last evaluated: 2022-04-10. Review status: criteria provided, single submitter. Criteria: Invitae Variant Classification Sherloc (09022015). Collection method: clinical testing. Allele origin: germline.
Comment: In summary, the available evidence is currently insufficient to determine the role of this variant in disease. Therefore, it has been classified as a Variant of Uncertain Significance. Advanced modeling of protein sequence and biophysical properties (such as structural, functional, and spatial information, amino acid conservation, physicochemical variation, residue mobility, and thermodynamic stability) performed at Invitae indicates that this missense variant is not expected to disrupt DYSF protein function. This variant has not been reported in the literature in individuals affected with DYSF-related conditions. This variant is not present in population databases (gnomAD no frequency). This sequence change replaces serine, which is neutral and polar, with tryptophan, which is neutral and slightly polar, at codon 503 of the DYSF protein (p.Ser503Trp).